The following is an entry in ClinVar:

ClinVar aggregate classification (germline): Uncertain significance. Review status: criteria provided, multiple submitters, no conflicts (2 of 4 stars). 2 submissions from 2 submitters: Uncertain significance (2). Last evaluated 2024-04-15.

Allele frequency attached by ClinVar (database versions not stated): gnomAD 0.00001; gnomAD exomes 0.00001; TOPMed 0.00001.
gnomAD v4.1: 13 of 1,613,052 alleles (0.00081%); highest among the groups gnomAD compares: South Asian, 0.0011%; no homozygotes.

Submissions (2):

GeneDx
Classification: Uncertain significance. Last evaluated: 2024-04-15. Review status: criteria provided, single submitter. Criteria: GeneDx Variant Classification Process June 2021. Collection method: clinical testing. Allele origin: germline. Affected: yes.
Comment: Not observed at significant frequency in large population cohorts (gnomAD); In silico analysis supports that this missense variant has a deleterious effect on protein structure/function; Has not been previously published as pathogenic or benign to our knowledge

Labcorp Genetics (formerly Invitae), Labcorp
Classification: Uncertain significance. Last evaluated: 2023-03-19. Review status: criteria provided, single submitter. Criteria: Invitae Variant Classification Sherloc (09022015). Collection method: clinical testing. Allele origin: germline.
Comment: In summary, the available evidence is currently insufficient to determine the role of this variant in disease. Therefore, it has been classified as a Variant of Uncertain Significance. Advanced modeling of protein sequence and biophysical properties (such as structural, functional, and spatial information, amino acid conservation, physicochemical variation, residue mobility, and thermodynamic stability) performed at Invitae indicates that this missense variant is expected to disrupt NALCN protein function. ClinVar contains an entry for this variant (Variation ID: 1213263). This variant has not been reported in the literature in individuals affected with NALCN-related conditions. This variant is not present in population databases (gnomAD no frequency). This sequence change replaces arginine, which is basic and polar, with cysteine, which is neutral and slightly polar, at codon 630 of the NALCN protein (p.Arg630Cys).

NM_052867.4(NALCN):c.1888C>T (p.Arg630Cys)

Gene: NALCN (sodium leak channel, non-selective; minus strand). Cytogenetic location: 13q33.1.
Variant type: single nucleotide variant.
Coding change: c.1888C>T on transcript NM_052867.4 (MANE Select); coding-DNA position 1888, C replaced by T.
Protein change: p.Arg630Cys; replaces arginine 630 with cysteine.
Molecular consequence: missense variant.
Genome position (GRCh38, 1-based): chr13:101,144,848, G>A on the plus strand (C>T on the coding strand, the complement: NALCN is on the minus strand). VCF-style: chr13-101144848-G-A. GRCh37 (hg19) VCF-style: chr13-101797199-G-A.
Other names: c.1888C>T, p.Arg630Cys (NM_001350748.2, NM_001350749.2); c.1801C>T, p.Arg601Cys (NM_001350750.2, NM_001350751.2); short protein forms R601C, R630C.
Identifiers: ClinVar variation 1213263 (VCV001213263.7), dbSNP rs1262630423, ClinGen allele CA388671825.